The following is an entry in ClinVar:

NM_004517.4(ILK):c.641G>A (p.Gly214Asp)

Genes: ILK (integrin linked kinase; plus strand), TAF10 (TATA-box binding protein associated factor 10; minus strand). Cytogenetic location: 11p15.4.
Variant type: single nucleotide variant.
Coding change: c.641G>A on transcript NM_004517.4 (MANE Select); coding-DNA position 641, G replaced by A.
Protein change: p.Gly214Asp; replaces glycine 214 with aspartic acid.
Molecular consequence: missense variant. On other transcripts: 3 prime UTR variant (1).
Genome position (GRCh38, 1-based): chr11:6,609,321, G>A. VCF-style: chr11-6609321-G-A. GRCh37 (hg19) VCF-style: chr11-6630552-G-A.
Other names: c.641G>A, p.Gly214Asp (NM_001014794.3, NM_001014795.3); c.458G>A, p.Gly153Asp (NM_001278441.2); c.239G>A, p.Gly80Asp (NM_001278442.2); c.*1601C>T (NM_006284.4); short protein forms G153D, G80D, G214D.
Identifiers: ClinVar variation 2056752 (VCV002056752.4), dbSNP rs374924048, ClinGen allele CA5858139.

ClinVar aggregate classification (germline): Uncertain significance (1 of 4 stars; one submission).

Conditions:
Primary familial hypertrophic cardiomyopathy (HCM). Identifiers: Orphanet 99739, MedGen C0949658, MeSH D024741, MONDO:0024573. Inheritance: Various modes of inheritance.

gnomAD v4.1: 10 of 1,614,116 alleles (0.00062%); highest among the groups gnomAD compares: East Asian, 0.022%; no homozygotes.

Submission:

Labcorp Genetics (formerly Invitae), Labcorp
Classification: Uncertain significance for Primary familial hypertrophic cardiomyopathy. Last evaluated: 2022-09-06. Review status: criteria provided, single submitter. Criteria: Invitae Variant Classification Sherloc (09022015). Collection method: clinical testing. Allele origin: germline.
Comment: This sequence change replaces glycine, which is neutral and non-polar, with aspartic acid, which is acidic and polar, at codon 214 of the ILK protein (p.Gly214Asp). This variant is present in population databases (rs374924048, gnomAD 0.01%). This variant has not been reported in the literature in individuals affected with ILK-related conditions. Algorithms developed to predict the effect of missense changes on protein structure and function (SIFT, PolyPhen-2, Align-GVGD) all suggest that this variant is likely to be disruptive. In summary, the available evidence is currently insufficient to determine the role of this variant in disease. Therefore, it has been classified as a Variant of Uncertain Significance.